The following is an entry in ClinVar:

NM_001353345.2(SETD1B):c.3150ATC[1] (p.Ser1053del)

Gene: SETD1B (SET domain containing 1B, histone lysine methyltransferase; plus strand). Cytogenetic location: 12q24.31.
Variant type: Microsatellite.
Coding change: c.3150ATC[1] on transcript NM_001353345.2 (MANE Select); one copy of the 3-base unit ATC starting at c.3150; the reference has two copies in a row; one copy, 3 bases deleted; also written c.3153_3155del.
Protein change: p.Ser1053del; deletes serine 1053.
Molecular consequence: inframe deletion.
Genome position (GRCh38, 1-based): chr12:121,817,545-121,817,547, ATC deleted; deleting any 3 consecutive bases within chr12:121,817,540-121,817,547 gives the same sequence; the position shown is the placement nearest the transcript's 3' end. VCF-style (leftmost placement, unchanged base first): chr12-121817539-GTCA-G. GRCh37 (hg19) VCF-style: chr12-122255445-GTCA-G.
Other names: c.3153_3155del (NM_001353345.2); short protein forms S1053del.
Identifiers: ClinVar variation 4884040 (VCV004884040.2).

ClinVar aggregate classification (germline): Uncertain significance (1 of 4 stars; one submission).

Submission:

Dasa
Classification: Uncertain significance. Last evaluated: 2025-09-02. Review status: criteria provided, single submitter. Criteria: DASA Assertion Criteria. Collection method: clinical testing. Allele origin: germline.
Comment: NM_001353345.2(SETD1B):c.3153_3155del (p.Ser1053del) is an in-frame deletion predicted to remove serine at protein position 1053 without shifting the reading frame. This variant is absent from population databases. The currently available literature and clinical evidence are not sufficient to establish a definitive association between this variant and the reported condition. Therefore, this variant is classified as a variant of uncertain significance.